The following is an entry in ClinVar:

ClinVar aggregate classification (germline): Uncertain significance. Review status: criteria provided, multiple submitters, no conflicts (2 of 4 stars). 2 submissions from 2 submitters: Uncertain significance (2). Last evaluated 2017-06-30.

Conditions:
Merosin deficient congenital muscular dystrophy (MDC1A). Also called: Congenital Muscular Dystrophy Type 1A (MDC1A); Congenital merosin-deficient muscular dystrophy 1A. Identifiers: Orphanet 258, MedGen C1263858, MONDO:0011925, OMIM 607855.

Submissions (2):

Geisinger Autism and Developmental Medicine Institute, Geisinger Health System
Classification: Uncertain significance for Merosin deficient congenital muscular dystrophy. Last evaluated: 2017-06-30. Review status: criteria provided, single submitter. Criteria: ACMG Guidelines, 2015. Collection method: provider interpretation, clinical testing. Allele origin: maternal. Observed: 1 variant allele.
Comment: Compound heterozygous or homozygous LAMA2 variants are associated with a spectrum of muscular dystrophy phenotypes from severe, early-onset congenital muscular dystrophy to a milder later childhood onset limb-girdle muscular dystrophy. The c.5598G>T variant is absent from population databases (ExAC and gnomAD). Computational models are inconsistent. Follow-up testing showed mildly elevated CK levels 212 (reference range 26-192).

GeneDx
Classification: Uncertain significance. Last evaluated: 2017-06-07. Review status: criteria provided, single submitter. Criteria: GeneDx Variant Classification (06012015). Collection method: clinical testing. Allele origin: germline. Affected: yes.
Comment: The M1866I variant in the LAMA2 gene has not been reported previously as a pathogenic variant, nor as a benign variant, to our knowledge. The M1866I variant is not observed in large population cohorts (Lek et al., 2016; 1000 Genomes Consortium et al., 2015; Exome Variant Server). However, the M1866I variant is a conservative amino acid substitution, which is not likely to impact secondary protein structure as these residues share similar properties. This substitution occurs at a position that is not conserved, and in silico analysis is inconsistent in its predictions as to whether or not the variant is damaging to the protein structure/function. We interpret M1866I as a variant of uncertain significance.

NM_000426.4(LAMA2):c.5598G>T (p.Met1866Ile)

Gene: LAMA2 (laminin subunit alpha 2; plus strand). Cytogenetic location: 6q22.33.
Variant type: single nucleotide variant.
Coding change: c.5598G>T on transcript NM_000426.4 (MANE Select); coding-DNA position 5598, G replaced by T.
Protein change: p.Met1866Ile; replaces methionine 1866 with isoleucine.
Molecular consequence: missense variant.
Genome position (GRCh38, 1-based): chr6:129,402,359, G>T. VCF-style: chr6-129402359-G-T. GRCh37 (hg19) VCF-style: chr6-129723504-G-T.
Other names: c.5598G>T, p.Met1866Ile (NM_001079823.2); short protein forms M1866I.
Identifiers: ClinVar variation 432327 (VCV000432327.3), dbSNP rs1554289926, ClinGen allele CA365616125.